The following is an entry in ClinVar:

NM_001370298.3(FGD4):c.1151C>T (p.Ala384Val)

Gene: FGD4 (FYVE, RhoGEF and PH domain containing 4; plus strand). Cytogenetic location: 12p11.21.
Variant type: single nucleotide variant.
Coding change: c.1151C>T on transcript NM_001370298.3 (MANE Select); coding-DNA position 1151, C replaced by T.
Protein change: p.Ala384Val; replaces alanine 384 with valine.
Molecular consequence: missense variant. On other transcripts: 5 prime UTR variant (2).
Genome position (GRCh38, 1-based): chr12:32,601,327, C>T. VCF-style: chr12-32601327-C-T. GRCh37 (hg19) VCF-style: chr12-32754261-C-T.
Other names: c.995C>T, p.Ala332Val (NM_001304481.2); c.-5C>T (NM_001304483.2); c.-312C>T (NM_001304484.2); c.461C>T, p.Ala154Val (NM_001330373.2, NM_001330374.2, NM_001384130.1); c.188C>T, p.Ala63Val (NM_001370297.1); c.1151C>T, p.Ala384Val (NM_001384126.1); c.740C>T, p.Ala247Val (NM_001384127.1, NM_001384128.1, NM_001385118.1 and 1 more transcripts); short protein forms A332V, A247V, A63V, A154V, A384V.
Identifiers: ClinVar variation 476945 (VCV000476945.8), dbSNP rs1295394925, ClinGen allele CA384358099.

ClinVar aggregate classification (germline): Uncertain significance (1 of 4 stars; one submission).

Conditions:
Charcot-Marie-Tooth disease type 4. Also called: Charcot-Marie-Tooth disease, type IV; Charcot-Marie-Tooth, Type 4. Identifiers: Orphanet 64749, MedGen C4082197, MONDO:0018995.

Allele frequency attached by ClinVar (database versions not stated): gnomAD exomes below 0.00001.
gnomAD v4.1: 1 of 1,614,112 alleles (0.000062%); highest among the groups gnomAD compares: Non-Finnish European, 0.000085%; no homozygotes.

Submission:

Labcorp Genetics (formerly Invitae), Labcorp
Classification: Uncertain significance for Charcot-Marie-Tooth disease type 4. Last evaluated: 2020-09-15. Review status: criteria provided, single submitter. Criteria: Invitae Variant Classification Sherloc (09022015). Collection method: clinical testing. Allele origin: germline.
Comment: This variant has not been reported in the literature in individuals with an FGD4-related disease. This sequence change replaces alanine with valine at codon 247 of the FGD4 protein (p.Ala247Val). The alanine residue is highly conserved and there is a small physicochemical difference between alanine and valine. This variant is not present in population databases (ExAC no frequency). Algorithms developed to predict the effect of missense changes on protein structure and function do not agree on the potential impact of this missense change (SIFT: "Deleterious"; PolyPhen-2: "Benign"; Align-GVGD: "Class C55"). In summary, this variant has uncertain impact on FGD4 function. The available evidence is currently insufficient to determine its role in disease. Therefore, it has been classified as a Variant of Uncertain Significance.